The following is an entry in ClinVar:

NM_001365951.3(KIF1B):c.1856G>T (p.Arg619Leu)

Gene: KIF1B (kinesin family member 1B; plus strand). Cytogenetic location: 1p36.22.
Variant type: single nucleotide variant.
Coding change: c.1856G>T on transcript NM_001365951.3 (MANE Select); coding-DNA position 1856, G replaced by T.
Protein change: p.Arg619Leu; replaces arginine 619 with leucine.
Molecular consequence: missense variant.
Genome position (GRCh38, 1-based): chr1:10,296,660, G>T. VCF-style: chr1-10296660-G-T. GRCh37 (hg19) VCF-style: chr1-10356718-G-T.
Other names: c.1856G>T, p.Arg619Leu (NM_001365952.1); c.1718G>T, p.Arg573Leu (NM_001365953.1, NM_015074.3, NM_183416.4); short protein forms R573L, R619L.
Identifiers: ClinVar variation 4844617 (VCV004844617.1).
Genomic context (GRCh38, chr1:10,296,660, plus strand): 5'-CCTGTGAGCGCTCAGAAACCTACGTAAATGGCAAGAGGGTGTCCCAGCCTGTTCAGCTGC[G>T]CTCAGGTGAGACTGGGAGAGGTTTGCCATCTTCAGCAATGTGCACATGGCTTCTGTGACA-3'
Protein context (NP_001352880.1, residues 609-629): GKRVSQPVQL[Arg619Leu]SGNRIIMGKN

ClinVar aggregate classification (germline): Uncertain significance (1 of 4 stars; one submission).

gnomAD v4.1: 3 of 1,613,682 alleles (0.00019%); highest among the groups gnomAD compares: Non-Finnish European, 0.00025%; no homozygotes.

Submission:

Ambry Genetics
Classification: Uncertain significance. Last evaluated: 2026-02-25. Review status: criteria provided, single submitter. Criteria: Ambry Variant Classification Scheme 2023. Collection method: clinical testing. Allele origin: germline.
Comment: The p.R573L variant (also known as c.1718G>T), located in coding exon 17 of the KIF1B gene, results from a G to T substitution at nucleotide position 1718. The arginine at codon 573 is replaced by leucine, an amino acid with dissimilar properties. This amino acid position is highly conserved in available vertebrate species. In addition, this alteration is predicted to be deleterious by in silico analysis. The evidence for this gene-disease relationship is limited; therefore, the clinical significance of this variant is unclear.